The following is an entry in ClinVar:

ClinVar aggregate classification (germline): Uncertain significance. Review status: criteria provided, multiple submitters, no conflicts (2 of 4 stars). 2 submissions from 2 submitters: Uncertain significance (2). Last evaluated 2026-01-05.

Conditions:
Emery-Dreifuss muscular dystrophy (EDMD). Also called: Scapuloperoneal syndrome, X-linked (formerly); Humeroperoneal neuromuscular disease, (formerly). Identifiers: Orphanet 261, MedGen C0410189, MONDO:0016830.

Allele frequency attached by ClinVar (database versions not stated): gnomAD 0.00006; TOPMed 0.00012; 1000 Genomes Project 0.00020; 1000 Genomes Project 30x 0.00031; ESP Exome Variant Server 0.00031.

Submissions (2):

Labcorp Genetics (formerly Invitae), Labcorp
Classification: Uncertain significance for Emery-Dreifuss muscular dystrophy. Last evaluated: 2026-01-05. Review status: criteria provided, single submitter. Criteria: Invitae Variant Classification Sherloc (09022015). Collection method: clinical testing. Allele origin: germline.
Comment: This sequence change replaces arginine, which is basic and polar, with serine, which is neutral and polar, at codon 206 of the SUN2 protein (p.Arg206Ser). This variant is present in population databases (rs150381950, gnomAD 0.02%). This variant has not been reported in the literature in individuals affected with SUN2-related conditions. ClinVar contains an entry for this variant (Variation ID: 577102). An algorithm developed to predict the effect of missense changes on protein structure and function (PolyPhen-2) suggests that this variant is likely to be tolerated. In summary, the available evidence is currently insufficient to determine the role of this variant in disease. Therefore, it has been classified as a Variant of Uncertain Significance.

Ambry Genetics
Classification: Uncertain significance. Last evaluated: 2025-05-30. Review status: criteria provided, single submitter. Criteria: Ambry Variant Classification Scheme 2023. Collection method: clinical testing. Allele origin: germline.

NM_015374.3(SUN2):c.616C>A (p.Arg206Ser)

Gene: SUN2 (Sad1 and UNC84 domain containing 2; minus strand). Cytogenetic location: 22q13.1.
Variant type: single nucleotide variant.
Coding change: c.616C>A on transcript NM_015374.3 (MANE Select); coding-DNA position 616, C replaced by A.
Protein change: p.Arg206Ser; replaces arginine 206 with serine.
Molecular consequence: missense variant.
Genome position (GRCh38, 1-based): chr22:38,748,782, G>T on the plus strand (C>A on the coding strand, the complement: SUN2 is on the minus strand). VCF-style: chr22-38748782-G-T. GRCh37 (hg19) VCF-style: chr22-39144787-G-T.
Other names: c.679C>A, p.Arg227Ser (NM_001199579.2); c.616C>A, p.Arg206Ser (NM_001199580.2); short protein forms R206S, R227S.
Identifiers: ClinVar variation 577102 (VCV000577102.12), dbSNP rs150381950, ClinGen allele CA10235835.